The following is an entry in ClinVar:

ClinVar aggregate classification (germline): Benign/Likely benign. Review status: criteria provided, multiple submitters, no conflicts (2 of 4 stars). 8 submissions from 7 submitters: Benign (2); Likely benign (5). 1 of the submissions does not count toward it. Last evaluated 2026-07-01.

Conditions:
Microcephaly 6, primary, autosomal recessive. Identifiers: Orphanet 2512, MedGen C1842109, MONDO:0012029, OMIM 608393.
Seckel syndrome 4 (SCKL4). Identifiers: Orphanet 808, MedGen C3888212, MONDO:0013358, OMIM 613676.

Allele frequency attached by ClinVar (database versions not stated): gnomAD 0.00053 and 0.00088; TOPMed 0.00096; gnomAD exomes 0.00174; ExAC 0.00179; 1000 Genomes Project 30x 0.00484; 1000 Genomes Project 0.00539.
gnomAD v4.1: 1,043 of 1,614,130 alleles (0.065%); highest among the groups gnomAD compares: East Asian, 2.1%; 8 homozygotes.

Submissions (8):

CeGaT Center for Human Genetics Tuebingen
Classification: Likely benign. Last evaluated: 2026-07-01. Review status: criteria provided, single submitter. Criteria: CeGaT Center For Human Genetics Tuebingen Variant Classification Criteria Version 2. Collection method: clinical testing. Allele origin: germline. Affected: yes. Observed: 2 variant alleles.
Comment: CPAP: BP4

Labcorp Genetics (formerly Invitae), Labcorp
Classification: Benign. Last evaluated: 2026-02-01. Review status: criteria provided, single submitter. Criteria: Invitae Variant Classification Sherloc (09022015). Collection method: clinical testing. Allele origin: germline.

Blueprint Genetics
Classification: Likely benign. Last evaluated: 2024-11-08. Review status: criteria provided, single submitter. Criteria: ACMG Guidelines, 2015. Collection method: clinical testing. Allele origin: germline.

Illumina Laboratory Services, Illumina
Classification: Likely benign for Microcephaly 6, primary, autosomal recessive. Last evaluated: 2018-01-12. Review status: criteria provided, single submitter. Criteria: ICSL Variant Classification Criteria 13 December 2019. Collection method: clinical testing. Allele origin: germline.
Comment: This variant was observed in the ICSL laboratory as part of a predisposition screen in an ostensibly healthy population. It had not been previously curated by ICSL or reported in the Human Gene Mutation Database (HGMD: prior to June 1st, 2018), and was therefore a candidate for classification through an automated scoring system. Utilizing variant allele frequency, disease prevalence and penetrance estimates, and inheritance mode, an automated score was calculated to assess if this variant is too frequent to cause the disease. Based on the score and internal cut-off values, a variant classified as likely benign is not then subjected to further curation. The score for this variant resulted in a classification of likely benign for this disease.

Illumina Laboratory Services, Illumina
Classification: Benign for Seckel syndrome 4. Last evaluated: 2018-01-12. Review status: criteria provided, single submitter. Criteria: ICSL Variant Classification Criteria 13 December 2019. Collection method: clinical testing. Allele origin: germline.
Comment: This variant was observed in the ICSL laboratory as part of a predisposition screen in an ostensibly healthy population. It had not been previously curated by ICSL or reported in the Human Gene Mutation Database (HGMD: prior to June 1st, 2018), and was therefore a candidate for classification through an automated scoring system. Utilizing variant allele frequency, disease prevalence and penetrance estimates, and inheritance mode, an automated score was calculated to assess if this variant is too frequent to cause the disease. Based on the score and internal cut-off values, a variant classified as benign is not then subjected to further curation. The score for this variant resulted in a classification of benign for this disease.

Eurofins Ntd Llc (ga)
Classification: Likely benign. Last evaluated: 2017-01-31. Review status: criteria provided, single submitter. Criteria: EGL Classification Definitions 2015. Collection method: clinical testing. Allele origin: germline. Observed: 1 variant allele, 1 heterozygote.

Breakthrough Genomics
Classification: Likely benign. Review status: criteria provided, single submitter. Criteria: ACMG Guidelines, 2015. Collection method: not provided. Allele origin: germline. Inheritance: Autosomal recessive inheritance. Affected: yes.

Lupski Lab, Baylor-Hopkins CMG, Baylor College of Medicine
Classification: Likely benign for Microcephaly 6, primary, autosomal recessive. Review status: no assertion criteria provided. Collection method: research. Allele origin: inherited. Inheritance: Autosomal recessive inheritance. Affected: yes. Observed: 3 variant alleles, 2 heterozygotes, 1 homozygote. Not counted in ClinVar's aggregate classification.

Literature cited by the submitters: PubMed 26752647 (cited by Lupski Lab, Baylor-Hopkins CMG, Baylor College of Medicine).

NM_018451.5(CPAP):c.763A>G (p.Thr255Ala)

Gene: CPAP (centrosome assembly and centriole elongation protein; minus strand). Cytogenetic location: 13q12.13.
Variant type: single nucleotide variant.
Coding change: c.763A>G on transcript NM_018451.5 (MANE Select); coding-DNA position 763, A replaced by G.
Protein change: p.Thr255Ala; replaces threonine 255 with alanine.
Molecular consequence: missense variant. On other transcripts: non-coding transcript variant (2).
Genome position (GRCh38, 1-based): chr13:24,909,892, T>C on the plus strand (A>G on the coding strand, the complement: CPAP is on the minus strand). VCF-style: chr13-24909892-T-C. GRCh37 (hg19) VCF-style: chr13-25484030-T-C.
Other names: short protein forms T255A.
Identifiers: ClinVar variation 499422 (VCV000499422.43), dbSNP rs150932292, ClinGen allele CA6919931.
Genomic context (GRCh38, chr13:24,909,892, plus strand): 5'-CCACAGGTGCTTCTTGATACTGTGCCTCAGAAAATAAATTAGGAGACGCACGTTTTGAAG[T>C]TAAGACAAAATCTCCATGAGCAGTTCTACAGAAGTTGCTTTGCTCATGGGATAAAATGTT-3'
Protein context (NP_060921.3, residues 245-265): CRTAHGDFVL[Thr255Ala]SKRASPNLFS